The following is an entry in ClinVar:

ClinVar aggregate classification (germline): Likely benign. Review status: criteria provided, multiple submitters, no conflicts (2 of 4 stars). 2 submissions from 2 submitters: Likely benign (2). Last evaluated 2017-09-30.

Conditions:
Familial thoracic aortic aneurysm and aortic dissection (TAAD). Also called: Thoracic aortic aneurysms and dissections. Identifiers: Orphanet 91387, MedGen C4707243, MONDO:0019625.

Allele frequency attached by ClinVar (database versions not stated): gnomAD 0.00002; TOPMed 0.00003.
gnomAD v4.1: 9 of 1,406,532 alleles (0.00064%); highest among the groups gnomAD compares: African/African-American, 0.0075%; no homozygotes.

Submissions (2):

Ambry Genetics
Classification: Likely benign for Familial thoracic aortic aneurysm and aortic dissection. Last evaluated: 2017-09-30. Review status: criteria provided, single submitter. Criteria: Ambry Variant Classification Scheme 2023. Collection method: clinical testing. Allele origin: germline.

GeneDx
Classification: Likely benign. Last evaluated: 2016-04-06. Review status: criteria provided, single submitter. Criteria: GeneDx Variant Classification (06012015). Collection method: clinical testing. Allele origin: germline. Affected: yes.
Comment: This variant is considered likely benign or benign based on one or more of the following criteria: it is a conservative change, it occurs at a poorly conserved position in the protein, it is predicted to be benign by multiple in silico algorithms, and/or has population frequency not consistent with disease.

NM_003036.4(SKI):c.147G>A (p.Lys49=)

Gene: SKI (SKI proto-oncogene; plus strand). Cytogenetic location: 1p36.33.
Variant type: single nucleotide variant.
Coding change: c.147G>A on transcript NM_003036.4 (MANE Select); coding-DNA position 147, G replaced by A.
Protein change: p.Lys49=; no amino-acid change (lysine 49 retained).
Molecular consequence: synonymous variant.
Genome position (GRCh38, 1-based): chr1:2,228,913, G>A. VCF-style: chr1-2228913-G-A. GRCh37 (hg19) VCF-style: chr1-2160352-G-A.
Identifiers: ClinVar variation 385331 (VCV000385331.5), dbSNP rs1043627749, ClinGen allele CA16603580.